The following is an entry in ClinVar:

ClinVar aggregate classification (germline): Uncertain significance (1 of 4 stars; one submission).

gnomAD v4.1: 1 of 1,614,088 alleles (0.000062%); highest among the groups gnomAD compares: Non-Finnish European, 0.000085%; no homozygotes.

Submission:

GeneDx
Classification: Uncertain significance. Last evaluated: 2026-02-07. Review status: criteria provided, single submitter. Criteria: GeneDx Variant Classification Process June 2021. Collection method: clinical testing. Allele origin: germline.
Comment: Not observed at significant frequency in large population cohorts (gnomAD); In silico analysis suggests that this missense variant does not alter protein structure/function; Has not been previously published as pathogenic or benign to our knowledge

NM_001242896.3(DEPDC5):c.1936A>C (p.Ser646Arg)

Gene: DEPDC5 (DEP domain containing 5, GATOR1 subcomplex subunit; plus strand). Cytogenetic location: 22q12.3.
Variant type: single nucleotide variant.
Coding change: c.1936A>C on transcript NM_001242896.3 (MANE Select); coding-DNA position 1936, A replaced by C.
Protein change: p.Ser646Arg; replaces serine 646 with arginine.
Molecular consequence: missense variant. On other transcripts: non-coding transcript variant (4), intron variant (3).
Genome position (GRCh38, 1-based): chr22:31,821,567, A>C. VCF-style: chr22-31821567-A-C. GRCh37 (hg19) VCF-style: chr22-32217553-A-C.
Other names: c.1936A>C, p.Ser646Arg (NM_001136029.4, NM_001363852.2, NM_001364318.2 and 3 more transcripts); c.1852A>C, p.Ser618Arg (NM_001369901.1, NM_001369902.1); c.1870+2342A>C (NM_001363854.2, NM_001242897.2, NM_001364319.2); short protein forms S618R, S646R.
Identifiers: ClinVar variation 4976401 (VCV004976401.1).
Genomic context (GRCh38, chr22:31,821,567, plus strand): 5'-TCCGGAGAAGCCATCCAGATCCACCACCAGACCCGACAGAATATGGCGGAGCTACAAGGC[A>C]GCGGGCAGAGGGATCCAACTCACTCCTCTGCAGAGCTGCTGGAGTTAGCATATCATGAAG-3'
Protein context (NP_001229825.1, residues 636-656): TRQNMAELQG[Ser646Arg]GQRDPTHSSA